The following is an entry in ClinVar:

NM_014714.4(IFT140):c.1207A>G (p.Ile403Val)

Genes: IFT140 (intraflagellar transport 140; minus strand), LOC105371046 (uncharacterized LOC105371046; plus strand). Cytogenetic location: 16p13.3.
Variant type: single nucleotide variant.
Coding change: c.1207A>G on transcript NM_014714.4 (MANE Select); coding-DNA position 1207, A replaced by G.
Protein change: p.Ile403Val; replaces isoleucine 403 with valine.
Molecular consequence: missense variant.
Genome position (GRCh38, 1-based): chr16:1,584,369, T>C on the plus strand (A>G on the coding strand, the complement: IFT140 is on the minus strand). VCF-style: chr16-1584369-T-C. GRCh37 (hg19) VCF-style: chr16-1634370-T-C.
Other names: short protein forms I403V.
Identifiers: ClinVar variation 2632590 (VCV002632590.1), dbSNP rs1216500390, ClinGen allele CA394214967.

ClinVar aggregate classification (germline): Uncertain significance (1 of 4 stars; one submission).

Conditions:
IFT140-related disorder. Also called: IFT140-related condition.

Allele frequency attached by ClinVar (database versions not stated): gnomAD exomes below 0.00001; gnomAD 0.00001.
gnomAD v4.1: 5 of 1,612,982 alleles (0.00031%); highest among the groups gnomAD compares: Non-Finnish European, 0.00034%; no homozygotes.

Submission:

PreventionGenetics, part of Exact Sciences
Classification: Uncertain significance for IFT140-related condition. Last evaluated: 2023-07-01. Review status: criteria provided, single submitter. Criteria: ACMG Guidelines, 2015. Collection method: clinical testing. Allele origin: germline.
Comment: The IFT140 c.1207A>G variant is predicted to result in the amino acid substitution p.Ile403Val. To our knowledge, this variant has not been reported in the literature. This variant is reported in 0.0016% of alleles in individuals of European (Non-Finnish) descent in gnomAD. At this time, the clinical significance of this variant is uncertain due to the absence of conclusive functional and genetic evidence.